The following is an entry in ClinVar:

NM_000261.2(MYOC):c.1138G>A (p.Asp380Asn)

Gene: MYOC (myocilin; minus strand). Cytogenetic location: 1q24.3.
Variant type: single nucleotide variant.
Coding change: c.1138G>A on transcript NM_000261.2 (MANE Select); coding-DNA position 1138, G replaced by A.
Protein change: p.Asp380Asn; replaces aspartic acid 380 with asparagine.
Molecular consequence: missense variant.
Genome position (GRCh38, 1-based): chr1:171,636,302, C>T on the plus strand (G>A on the coding strand, the complement: MYOC is on the minus strand). VCF-style: chr1-171636302-C-T. GRCh37 (hg19) VCF-style: chr1-171605442-C-T.
Other names: NM_000261.2:c.1138G>A; short protein forms D380N.
Identifiers: ClinVar variation 1342204 (VCV001342204.6), dbSNP rs121909194, ClinGen allele CA343724574.
Genomic context (GRCh38, chr1:171,636,302, plus strand): 5'-CACCTTTGGCCTCATCGGTGCTGTAAATGACCCAGAGGCCTGCTTCATCCACAGCCAAGT[C>T]AATGTCCGTGTAGCCACCCCAAGAATACGGGAACTGTCCGTGGTAGCCAGCTCCAGGGAT-3'
Protein context (NP_000252.1, residues 370-390): PYSWGGYTDI[Asp380Asn]LAVDEAGLWV

ClinVar aggregate classification (germline): Uncertain significance (3 of 4 stars; one submission).

Conditions:
Open-angle glaucoma. Identifiers: MedGen C0017612, MONDO:0005338, HP:0012108.

Allele frequency attached by ClinVar (database versions not stated): gnomAD exomes below 0.00001.
gnomAD v4.1: 2 of 1,614,088 alleles (0.00012%); highest among the groups gnomAD compares: African/African-American, 0.0013%; no homozygotes.

Submission:

ClinGen Glaucoma Variant Curation Expert Panel
Classification: Uncertain significance for Open-angle glaucoma. Last evaluated: 2025-12-03. Review status: reviewed by expert panel. Criteria: ClinGen Glaucoma ACMG Specifications V2.0.0 Approved. Collection method: curation. Allele origin: germline. Inheritance: Autosomal dominant inheritance.
Comment: The c.1138G>A variant in MYOC is a missense variant predicted to cause substitution of Aspartic Acid by Asparagine at amino acid 380 (p.Asp380Asn). The highest minor allele frequency of this variant was in the Remaining genetic ancestry group of gnomAD (v4.1.0) = 0.000016 (1 allele out of 62,504), which met the ≤ 0.0001 threshold set for PM2_Supporting in a genetic ancestry group of at least 10,000 alleles. The REVEL score = 0.842, which was within the 0.773-0.931 range for PP3_Moderate, predicting a damaging effect on MYOC function. The studies reporting functional evidence for the Asp380Asn protein (PMIDs: 36267417, 31270212) indicated that this variant may impact protein solubility, stability and secretion, however, as the results were inconclusive, neither PS3 or BS3 were applied. 2 probands with juvenile or primary open angle glaucoma have been reported carrying this variant (PMID: 12362081), which met PS4_Supporting (≥ 2 probands). In summary, this variant met the criteria to receive a score of 4 and to be classified as a variant of uncertain significance (uncertain significance classification range -1 to 5, adapted from PMID: 32720330) for juvenile open angle glaucoma based on the ACMG/AMP criteria met, as specified by the ClinGen Glaucoma VCEP (v2.0.0, 5 Dec 2024): PP3_Moderate, PS4_Supporting, PM2_Supporting